The following is an entry in ClinVar:

NC_000005.10:g.112707390_112707391del

Gene: APC (APC regulator of Wnt signaling pathway; plus strand). Cytogenetic location: 5q22.2.
Variant type: Deletion.
Genome position: GRCh38 VCF-style: chr5-112707388-CAG-C. GRCh37 (hg19) VCF-style: chr5-112043085-CAG-C.
Identifiers: ClinVar variation 1003986 (VCV001003986.10), dbSNP rs1316145446, ClinGen allele CA802056844.

ClinVar aggregate classification (germline): Uncertain significance (1 of 4 stars; one submission).

Conditions:
Familial adenomatous polyposis 1 (FAP1). Also called: FAMILIAL ADENOMATOUS POLYPOSIS 1, ATTENUATED; POLYPOSIS, ADENOMATOUS INTESTINAL. Identifiers: MedGen C2713442, MONDO:0021056, OMIM 175100. Disease mechanism: loss of function.

Submission:

Labcorp Genetics (formerly Invitae), Labcorp
Classification: Uncertain significance for Familial adenomatous polyposis 1. Last evaluated: 2024-04-27. Review status: criteria provided, single submitter. Criteria: Invitae Variant Classification Sherloc (09022015). Collection method: clinical testing. Allele origin: germline.
Comment: This variant occurs in a non-coding region of the APC gene. It does not change the encoded amino acid sequence of the APC protein. This variant is not present in population databases (gnomAD no frequency). This variant has not been reported in the literature in individuals affected with APC-related conditions. Experimental studies and prediction algorithms are not available or were not evaluated, and the functional significance of this variant is currently unknown. In summary, the available evidence is currently insufficient to determine the role of this variant in disease. Therefore, it has been classified as a Variant of Uncertain Significance.